The following is an entry in ClinVar:

ClinVar aggregate classification (germline): Likely pathogenic (1 of 4 stars; one submission).

Conditions:
Familial adenomatous polyposis 1 (FAP1). Also called: FAMILIAL ADENOMATOUS POLYPOSIS 1, ATTENUATED; POLYPOSIS, ADENOMATOUS INTESTINAL. Identifiers: MedGen C2713442, MONDO:0021056, OMIM 175100. Disease mechanism: loss of function.

Submission:

Labcorp Genetics (formerly Invitae), Labcorp
Classification: Likely pathogenic for Familial adenomatous polyposis 1. Last evaluated: 2018-05-30. Review status: criteria provided, single submitter. Criteria: Invitae Variant Classification Sherloc (09022015). Collection method: clinical testing. Allele origin: germline.
Comment: This variant is a partial deletion of the genomic region encompassing the promoter 1B sequence of the APC gene. The 5' end of this event is unknown as it extends beyond the assayed region for this gene, and therefore may encompass additional genes. The 3' boundary lies within the promoter 1B region of the APC gene. Gross deletions of the two APC promoter regions are known to be pathogenic. Similar deletions involving only the promoter 1B region, including a similar partial deletion of the promoter 1B region, have been reported in the literature in several families affected with familial adenomatous polyposis (PMID: 25243319, 21643010, 24946964, 23725351). Allele-specific expression analysis has shown that a similar partial deletion of the promoter 1B region reduced APC mRNA expression in patient-derived samples (PMID: 21643010). In summary, the currently available evidence indicates that the variant is pathogenic, but additional data are needed to prove that conclusively. Therefore, this variant has been classified as Likely Pathogenic.

Literature cited by the submitters: PubMed 25243319; PubMed 21643010; PubMed 24946964; PubMed 23725351.

NC_000005.9:g.112001178_112043328del

Genes: APC (APC regulator of Wnt signaling pathway; plus strand), LOC102467216 (uncharacterized LOC102467216; minus strand), LOC121079956 (Sharpr-MPRA regulatory region 14787; plus strand), LOC123497954 (Sharpr-MPRA regulatory region 7502; plus strand), LOC129994371 (ATAC-STARR-seq lymphoblastoid active region 22910; plus strand). Cytogenetic location: 5q22.2.
Variant type: Deletion.
Identifiers: ClinVar variation 580918 (VCV000580918.3).